The following is an entry in ClinVar:

NM_000719.7(CACNA1C):c.5739C>T (p.Asp1913=)

Genes: CACNA1C (calcium voltage-gated channel subunit alpha1 C; plus strand), CACNA1C-AS1 (CACNA1C antisense RNA 1; minus strand). Cytogenetic location: 12p13.33.
Variant type: single nucleotide variant.
Coding change: c.5739C>T on transcript NM_000719.7 (MANE Select); coding-DNA position 5739, C replaced by T.
Protein change: p.Asp1913=; no amino-acid change (aspartic acid 1913 retained).
Molecular consequence: synonymous variant.
Genome position (GRCh38, 1-based): chr12:2,686,224, C>T. VCF-style: chr12-2686224-C-T. GRCh37 (hg19) VCF-style: chr12-2795390-C-T.
Other names: p.Asp1913=; c.5883C>T, p.Asp1961= (NM_001129827.2); c.5862C>T, p.Asp1954= (NM_001129829.2); c.5844C>T, p.Asp1948= (NM_001129830.3, NM_001167624.3); c.5823C>T, p.Asp1941= (NM_001129831.2); c.5799C>T, p.Asp1933= (NM_001129832.2); c.5796C>T, p.Asp1932= (NM_001129833.2, NM_001129834.2, NM_001129835.2); c.5790C>T, p.Asp1930= (NM_001129836.2); and 7 more.
Identifiers: ClinVar variation 1649806 (VCV001649806.9), dbSNP rs1391330801, ClinGen allele CA477902652.
Genomic context (GRCh38, chr12:2,686,224, plus strand): 5'-AGGTCGAAGGGCCTCCTTCCACCTGGAATGTCTGAAGCGACAGAAGGACCGAGGGGGAGA[C>T]ATCTCTCAGAAGACAGTCCTGCCCTTGCATCTGGTTCATCATCAGGTAGCTCACACTTTT-3'
Protein context (NP_000710.5, residues 1903-1923): CLKRQKDRGG[Asp1913=]ISQKTVLPLH

ClinVar aggregate classification (germline): Likely benign. Review status: criteria provided, multiple submitters, no conflicts (2 of 4 stars). 2 submissions from 2 submitters: Likely benign (2). Last evaluated 2025-08-03.

Conditions:
Long QT syndrome (LQTS). Identifiers: MedGen C0023976, MeSH D008133, MONDO:0002442. Disease mechanism: loss of function. Inheritance: Various modes of inheritance.

Allele frequency attached by ClinVar (database versions not stated): TOPMed below 0.00001.
gnomAD v4.1: 5 of 1,613,550 alleles (0.00031%); highest among the groups gnomAD compares: South Asian, 0.0011%; no homozygotes.

Submissions (2):

Mayo Clinic Laboratories, Mayo Clinic
Classification: Likely benign. Last evaluated: 2025-08-03. Review status: criteria provided, single submitter. Criteria: ACMG Guidelines, 2015. Collection method: clinical testing. Allele origin: germline. Observed: 1 variant allele.
Comment: BP4, BP7, PM2_supporting

Labcorp Genetics (formerly Invitae), Labcorp
Classification: Likely benign for Long QT syndrome. Last evaluated: 2024-03-20. Review status: criteria provided, single submitter. Criteria: Invitae Variant Classification Sherloc (09022015). Collection method: clinical testing. Allele origin: germline.